The following is an entry in ClinVar:

ClinVar aggregate classification (germline): Pathogenic. Review status: criteria provided, multiple submitters, no conflicts (2 of 4 stars). 3 submissions from 3 submitters: Pathogenic (3). Last evaluated 2025-05-25.

Conditions:
Hereditary cancer-predisposing syndrome. Also called: Hereditary neoplastic syndrome; Tumor predisposition; Hereditary Cancer Syndrome; Neoplastic Syndromes, Hereditary. Identifiers: Orphanet 140162, MedGen C0027672, MeSH D009386, MONDO:0015356.
Retinoblastoma (RB1). Also called: RETINOBLASTOMA, SOMATIC. Identifiers: Orphanet 790, MedGen C0035335, MeSH D012175, MONDO:0008380, OMIM 180200, HP:0009919. Disease mechanism: loss of function. Inheritance: Both sporadic and heritable forms are tested..

Submissions (3):

Ambry Genetics
Classification: Pathogenic for Hereditary cancer-predisposing syndrome. Last evaluated: 2025-05-25. Review status: criteria provided, single submitter. Criteria: Ambry Variant Classification Scheme 2023. Collection method: clinical testing. Allele origin: germline.
Comment: The c.1191delA pathogenic mutation, located in coding exon 12 of the RB1 gene, results from a deletion of one nucleotide at nucleotide position 1191, causing a translational frameshift with a predicted alternate stop codon (p.E398Kfs*3). This variant was reported in individual(s) with features consistent with RB1-related hereditary retinoblastoma (Ambry internal data). This variant is considered to be rare based on population cohorts in the Genome Aggregation Database (gnomAD). This alteration is expected to result in loss of function by premature protein truncation or nonsense-mediated mRNA decay. As such, this alteration is interpreted as a disease-causing mutation.

Labcorp Genetics (formerly Invitae), Labcorp
Classification: Pathogenic for Retinoblastoma. Last evaluated: 2021-06-18. Review status: criteria provided, single submitter. Criteria: Invitae Variant Classification Sherloc (09022015). Collection method: clinical testing. Allele origin: germline.
Comment: For these reasons, this variant has been classified as Pathogenic. This variant has been observed in individual(s) with bilateral retinoblastoma (PMID: 12541220). This variant is also known as 1329delA. ClinVar contains an entry for this variant (Variation ID: 167565). This variant is not present in population databases (ExAC no frequency). This sequence change creates a premature translational stop signal (p.Glu398Lysfs*3) in the RB1 gene. It is expected to result in an absent or disrupted protein product. Loss-of-function variants in RB1 are known to be pathogenic (PMID: 17096365).

Eurofins Ntd Llc (ga)
Classification: Pathogenic. Last evaluated: 2014-03-04. Review status: criteria provided, single submitter. Criteria: EGL Classification Definitions. Collection method: clinical testing. Allele origin: germline. Observed: 2 variant alleles, 2 heterozygotes.

Literature cited by the submitters: PubMed 12541220 (cited by Labcorp Genetics (formerly Invitae), Labcorp); PubMed 17096365 (cited by Labcorp Genetics (formerly Invitae), Labcorp).

NM_000321.3(RB1):c.1191del (p.Glu398fs)

Gene: RB1 (RB transcriptional corepressor 1; plus strand). Cytogenetic location: 13q14.2.
Variant type: Deletion.
Coding change: c.1191del on transcript NM_000321.3 (MANE Select); coding-DNA position 1191, one base deleted (A; older notation c.1191delA).
Protein change: p.Glu398fs; shifts the reading frame from glutamic acid 398.
Molecular consequence: frameshift variant.
Genome position (GRCh38, 1-based): chr13:48,373,468, A deleted. VCF-style (leftmost placement, unchanged base first): chr13-48373467-CA-C. GRCh37 (hg19) VCF-style: chr13-48947603-CA-C.
Other names: c.1191delA (NM_000321.2); short protein forms E398fs.
Identifiers: ClinVar variation 167565 (VCV000167565.14), dbSNP rs727504121, ClinGen allele CA026366.
Genomic context (GRCh38, chr13:48,373,467, plus strand): 5'-CTGTTATGAACACTATCCAACAATTAATGATGATTTTAAATTCAGCAAGTGATCAACCTT[CA>C]GAAAATCTGATTTCCTATTTTAACGTAAGCCATATATGAAACATTATTTATTGTAATATC-3'